The following is an entry in ClinVar:

ClinVar aggregate classification (germline): Conflicting classifications of pathogenicity. Review status: criteria provided, conflicting classifications (1 of 4 stars). 2 submissions from 2 submitters: Uncertain significance (1); Likely benign (1). Last evaluated 2024-04-16.

Conditions:
Gorlin syndrome. Also called: Nevoid Basal Cell Carcinoma Syndrome; Basal cell nevus syndrome. Identifiers: Orphanet 377, MedGen C0004779, MONDO:0007187.
Medulloblastoma (MDB). Also called: MEDULLOBLASTOMA PREDISPOSITION SYNDROME; Medulloblastoma, somatic. Identifiers: Orphanet 616, MedGen C0025149, MeSH D008527, MONDO:0007959, OMIM 155255, HP:0002885.
Basal cell carcinoma, susceptibility to, 1. Also called: BCC1. Identifiers: MedGen C2751544, MONDO:0011556, OMIM 605462.

Allele frequency attached by ClinVar (database versions not stated): TOPMed 0.00002; gnomAD 0.00004; ExAC 0.00007; ESP Exome Variant Server 0.00008.
gnomAD v4.1: 59 of 1,614,066 alleles (0.0037%); highest among the groups gnomAD compares: South Asian, 0.048%; 1 homozygote.

Submissions (2):

Fulgent Genetics
Classification: Likely benign for Medulloblastoma; Basal cell carcinoma, susceptibility to, 1. Last evaluated: 2024-04-16. Review status: criteria provided, single submitter. Criteria: ACMG Guidelines, 2015. Collection method: clinical testing. Allele origin: germline.

Labcorp Genetics (formerly Invitae), Labcorp
Classification: Uncertain significance for Gorlin syndrome. Last evaluated: 2023-10-22. Review status: criteria provided, single submitter. Criteria: Invitae Variant Classification Sherloc (09022015). Collection method: clinical testing. Allele origin: germline.
Comment: This sequence change replaces glutamic acid, which is acidic and polar, with lysine, which is basic and polar, at codon 854 of the PTCH2 protein (p.Glu854Lys). This variant is present in population databases (rs149133805, gnomAD 0.06%), and has an allele count higher than expected for a pathogenic variant. This variant has not been reported in the literature in individuals affected with PTCH2-related conditions. Advanced modeling of protein sequence and biophysical properties (such as structural, functional, and spatial information, amino acid conservation, physicochemical variation, residue mobility, and thermodynamic stability) performed at Invitae indicates that this missense variant is not expected to disrupt PTCH2 protein function. In summary, the available evidence is currently insufficient to determine the role of this variant in disease. Therefore, it has been classified as a Variant of Uncertain Significance.

NM_003738.5(PTCH2):c.2560G>A (p.Glu854Lys)

Gene: PTCH2 (patched 2; minus strand). Cytogenetic location: 1p34.1.
Variant type: single nucleotide variant.
Coding change: c.2560G>A on transcript NM_003738.5 (MANE Select); coding-DNA position 2560, G replaced by A.
Protein change: p.Glu854Lys; replaces glutamic acid 854 with lysine.
Molecular consequence: missense variant.
Genome position (GRCh38, 1-based): chr1:44,827,037, C>T on the plus strand (G>A on the coding strand, the complement: PTCH2 is on the minus strand). VCF-style: chr1-44827037-C-T. GRCh37 (hg19) VCF-style: chr1-45292709-C-T.
Other names: c.2560G>A, p.Glu854Lys (NM_001166292.2); short protein forms E854K.
Identifiers: ClinVar variation 2889577 (VCV002889577.4), dbSNP rs149133805, ClinGen allele CA822965.